The following is an entry in ClinVar:

ClinVar aggregate classification (germline): Conflicting classifications of pathogenicity. Review status: criteria provided, conflicting classifications (1 of 4 stars). 4 submissions from 3 submitters: Likely pathogenic (1); Benign (2). 1 of the submissions does not count toward it. Last evaluated 2018-08-15.

Conditions:
SCNN1B-related disorder. Also called: SCNN1B-related condition.
Pseudohypoaldosteronism, type IB2, autosomal recessive (PHA1B2). Identifiers: MedGen C5774255, MONDO:0859317, OMIM 620125.
Liddle syndrome 1 (LIDLS1). Also called: PSEUDOALDOSTERONISM. Identifiers: Orphanet 526, MedGen CN031472, MONDO:0020607, OMIM 177200.
Bronchiectasis with or without elevated sweat chloride 1 (BESC1). Also called: Cystic Fibrosis-Like Syndrome. Identifiers: Orphanet 60033, MedGen C2749757, MONDO:0008887, OMIM 211400.

Allele frequency attached by ClinVar (database versions not stated): TOPMed below 0.00001; ExAC 0.00001; gnomAD 0.00001; gnomAD exomes 0.00002.
gnomAD v4.1: 17 of 1,613,940 alleles (0.0011%); highest among the groups gnomAD compares: African/African-American, 0.0013%; no homozygotes.

Submissions (4):

Blueprint Genetics
Classification: Likely pathogenic for SCNN1B-related disorders. Last evaluated: 2018-08-15. Review status: criteria provided, single submitter. Criteria: ACMG Guidelines, 2015. Collection method: clinical testing. Allele origin: germline. Affected: yes. Observed: 2 variant alleles.

Illumina Laboratory Services, Illumina
Classification: Benign for Bronchiectasis with or without elevated sweat chloride 1. Last evaluated: 2017-08-29. Review status: criteria provided, single submitter. Criteria: ICSL Variant Classification Criteria 13 December 2019. Collection method: clinical testing. Allele origin: germline.
Comment: This variant was observed as part of a predisposition screen in an ostensibly healthy population. A literature search was performed for the gene, cDNA change, and amino acid change (where applicable). No publications were found based on this search. Allele frequency data from public databases was too high to be consistent with this variant causing disease. Therefore, this variant is classified as benign.

Illumina Laboratory Services, Illumina
Classification: Benign for Liddle syndrome 1. Last evaluated: 2017-08-29. Review status: criteria provided, single submitter. Criteria: ICSL Variant Classification Criteria 13 December 2019. Collection method: clinical testing. Allele origin: germline.
Comment: the same text as in the submission from Illumina Laboratory Services, Illumina above.

OMIM
Classification: Pathogenic for PSEUDOHYPOALDOSTERONISM, TYPE IB2, AUTOSOMAL RECESSIVE. Last evaluated: 1997-03-03. Review status: no assertion criteria provided. Collection method: literature only. Allele origin: germline. Not counted in ClinVar's aggregate classification.

Literature cited by the submitters: PubMed 8589714 (cited by OMIM); PubMed 9118951 (cited by OMIM).

NM_000336.3(SCNN1B):c.109G>A (p.Gly37Ser)

Gene: SCNN1B (sodium channel epithelial 1 subunit beta; plus strand). Cytogenetic location: 16p12.2.
Variant type: single nucleotide variant.
Coding change: c.109G>A on transcript NM_000336.3 (MANE Select); coding-DNA position 109, G replaced by A.
Protein change: p.Gly37Ser; replaces glycine 37 with serine.
Molecular consequence: missense variant.
Genome position (GRCh38, 1-based): chr16:23,348,708, G>A. VCF-style: chr16-23348708-G-A. GRCh37 (hg19) VCF-style: chr16-23360029-G-A.
Other names: short protein forms G37S.
Identifiers: ClinVar variation 8832 (VCV000008832.9), dbSNP rs137852706, ClinGen allele CA119959.